The following is an entry in ClinVar:

ClinVar aggregate classification (germline): Uncertain significance (1 of 4 stars; one submission).

Conditions:
Majeed syndrome (MJDS). Also called: LPIN2-Related Majeed Syndrome; CHRONIC RECURRENT MULTIFOCAL OSTEOMYELITIS 1, WITH CONGENITAL DYSERYTHROPOIETIC ANEMIA, WITH OR WITHOUT NEUTROPHILIC DERMATOSIS. Identifiers: Orphanet 77297, MedGen C1864997, MONDO:0012316, OMIM 609628.

Allele frequency attached by ClinVar (database versions not stated): gnomAD 0.00002; gnomAD exomes 0.00002 and 0.00004; TOPMed 0.00002; ExAC 0.00005.
gnomAD v4.1: 13 of 1,614,074 alleles (0.00081%); highest among the groups gnomAD compares: Admixed American, 0.022%; no homozygotes.

Submission:

Labcorp Genetics (formerly Invitae), Labcorp
Classification: Uncertain significance for Majeed syndrome. Last evaluated: 2021-09-01. Review status: criteria provided, single submitter. Criteria: Invitae Variant Classification Sherloc (09022015). Collection method: clinical testing. Allele origin: germline.
Comment: This sequence change replaces glutamine with leucine at codon 803 of the LPIN2 protein (p.Gln803Leu). The glutamine residue is moderately conserved and there is a moderate physicochemical difference between glutamine and leucine. This variant is present in population databases (rs777924824, ExAC 0.05%). This variant has not been reported in the literature in individuals affected with LPIN2-related conditions. Algorithms developed to predict the effect of missense changes on protein structure and function (SIFT, PolyPhen-2, Align-GVGD) all suggest that this variant is likely to be tolerated. In summary, the available evidence is currently insufficient to determine the role of this variant in disease. Therefore, it has been classified as a Variant of Uncertain Significance.

NM_001375808.2(LPIN2):c.2408A>T (p.Gln803Leu)

Gene: LPIN2 (lipin 2; minus strand). Cytogenetic location: 18p11.31.
Variant type: single nucleotide variant.
Coding change: c.2408A>T on transcript NM_001375808.2 (MANE Select); coding-DNA position 2408, A replaced by T.
Protein change: p.Gln803Leu; replaces glutamine 803 with leucine.
Molecular consequence: missense variant.
Genome position (GRCh38, 1-based): chr18:2,921,567, T>A on the plus strand (A>T on the coding strand, the complement: LPIN2 is on the minus strand). VCF-style: chr18-2921567-T-A. GRCh37 (hg19) VCF-style: chr18-2921565-T-A.
Other names: c.2408A>T, p.Gln803Leu (NM_001375809.1, NM_014646.2); short protein forms Q803L.
Identifiers: ClinVar variation 1358529 (VCV001358529.5), dbSNP rs777924824, ClinGen allele CA8872737.